The following is an entry in ClinVar:

ClinVar aggregate classification (germline): Conflicting classifications of pathogenicity. Review status: criteria provided, conflicting classifications (1 of 4 stars). 6 submissions from 6 submitters: Uncertain significance (5); Likely benign (1). Last evaluated 2026-08-01.

Conditions:
Usher syndrome type 3B. Also called: USHER SYNDROME, TYPE IIIB. Identifiers: MedGen C3281066, MONDO:0013788, OMIM 614504.

Allele frequency attached by ClinVar (database versions not stated): TOPMed 0.00013; ExAC 0.00014; gnomAD 0.00014; 1000 Genomes Project 30x 0.00016; 1000 Genomes Project 0.00020.
gnomAD v4.1: 226 of 1,614,196 alleles (0.014%); highest among the groups gnomAD compares: Non-Finnish European, 0.018%; no homozygotes.

Submissions (6):

CeGaT Center for Human Genetics Tuebingen
Classification: Uncertain significance. Last evaluated: 2026-08-01. Review status: criteria provided, single submitter. Criteria: CeGaT Center For Human Genetics Tuebingen Variant Classification Criteria Version 2. Collection method: clinical testing. Allele origin: germline. Affected: yes. Observed: 2 variant alleles.
Comment: HARS1: PM2

Labcorp Genetics (formerly Invitae), Labcorp
Classification: Uncertain significance for Usher syndrome type 3B. Last evaluated: 2025-12-19. Review status: criteria provided, single submitter. Criteria: Invitae Variant Classification Sherloc (09022015). Collection method: clinical testing. Allele origin: germline.
Comment: This sequence change replaces glutamic acid, which is acidic and polar, with lysine, which is basic and polar, at codon 468 of the HARS protein (p.Glu468Lys). This variant is present in population databases (rs199615869, gnomAD 0.02%). This variant has not been reported in the literature in individuals affected with HARS-related conditions. ClinVar contains an entry for this variant (Variation ID: 540202). Invitae Evidence Modeling of protein sequence and biophysical properties (such as structural, functional, and spatial information, amino acid conservation, physicochemical variation, residue mobility, and thermodynamic stability) indicates that this missense variant is not expected to disrupt HARS protein function with a negative predictive value of 80%. In summary, the available evidence is currently insufficient to determine the role of this variant in disease. Therefore, it has been classified as a Variant of Uncertain Significance.

Women's Health and Genetics/Laboratory Corporation of America, LabCorp
Classification: Uncertain significance. Last evaluated: 2025-05-08. Review status: criteria provided, single submitter. Criteria: LabCorp Variant Classification Summary - May 2015. Collection method: clinical testing. Allele origin: germline.
Comment: Variant summary: HARS1 c.1402G>A (p.Glu468Lys) results in a conservative amino acid change in the encoded protein sequence. Algorithms developed to predict the effect of missense changes on protein structure and function are either unavailable or do not agree on the potential impact of this missense change. The variant allele was found at a frequency of 0.0001 in 282828 control chromosomes. This frequency is not significantly higher than estimated for a pathogenic variant in HARS1 causing Usher syndrome type 3B, allowing no conclusion about variant significance. To our knowledge, no occurrence of c.1402G>A in individuals affected with Usher syndrome type 3B and no experimental evidence demonstrating its impact on protein function have been reported. ClinVar contains an entry for this variant (Variation ID: 540202). Based on the evidence outlined above, the variant was classified as uncertain significance.

Mayo Clinic Laboratories, Mayo Clinic
Classification: Uncertain significance. Last evaluated: 2024-11-06. Review status: criteria provided, single submitter. Criteria: ACMG Guidelines, 2015. Collection method: clinical testing. Allele origin: germline. Observed: 4 variant alleles.
Comment: PP3

GeneDx
Classification: Uncertain significance. Last evaluated: 2024-03-18. Review status: criteria provided, single submitter. Criteria: GeneDx Variant Classification Process June 2021. Collection method: clinical testing. Allele origin: germline. Affected: yes.
Comment: In silico analysis supports that this missense variant has a deleterious effect on protein structure/function; Has not been previously published as pathogenic or benign to our knowledge

Ambry Genetics
Classification: Likely benign. Last evaluated: 2021-09-01. Review status: criteria provided, single submitter. Criteria: Ambry Variant Classification Scheme 2023. Collection method: clinical testing. Allele origin: germline.

NM_002109.6(HARS1):c.1402G>A (p.Glu468Lys)

Gene: HARS1 (histidyl-tRNA synthetase 1; minus strand). Cytogenetic location: 5q31.3.
Variant type: single nucleotide variant.
Coding change: c.1402G>A on transcript NM_002109.6 (MANE Select); coding-DNA position 1402, G replaced by A.
Protein change: p.Glu468Lys; replaces glutamic acid 468 with lysine.
Molecular consequence: missense variant.
Genome position (GRCh38, 1-based): chr5:140,674,735, C>T on the plus strand (G>A on the coding strand, the complement: HARS1 is on the minus strand). VCF-style: chr5-140674735-C-T. GRCh37 (hg19) VCF-style: chr5-140054320-C-T.
Other names: p.Glu468Lys; c.1282G>A, p.Glu428Lys (NM_001258040.3); c.1342G>A, p.Glu448Lys (NM_001258041.3); c.1222G>A, p.Glu408Lys (NM_001258042.3); c.1180G>A, p.Glu394Lys (NM_001289092.2); c.1060G>A, p.Glu354Lys (NM_001289093.2); c.1315G>A, p.Glu439Lys (NM_001289094.2); short protein forms E468K, E408K, E448K, E394K, E439K, E354K, E428K.
Identifiers: ClinVar variation 540202 (VCV000540202.58), dbSNP rs199615869, ClinGen allele CA3443829.